The following is an entry in ClinVar:

NM_032043.3(BRIP1):c.2515T>G (p.Trp839Gly)

Gene: BRIP1 (BRCA1 interacting DNA helicase 1; minus strand). Cytogenetic location: 17q23.2.
Variant type: single nucleotide variant.
Coding change: c.2515T>G on transcript NM_032043.3 (MANE Select); coding-DNA position 2515, T replaced by G.
Protein change: p.Trp839Gly; replaces tryptophan 839 with glycine.
Molecular consequence: missense variant.
Genome position (GRCh38, 1-based): chr17:61,693,490, A>C on the plus strand (T>G on the coding strand, the complement: BRIP1 is on the minus strand). VCF-style: chr17-61693490-A-C. GRCh37 (hg19) VCF-style: chr17-59770851-A-C.
Other names: short protein forms W839G.
Identifiers: ClinVar variation 640480 (VCV000640480.9), dbSNP rs1555574807, ClinGen allele CA400482458.

ClinVar aggregate classification (germline): Uncertain significance (1 of 4 stars; one submission).

Conditions:
Familial cancer of breast. Also called: hereditary breast carcinoma; BREAST CANCER, FAMILIAL; Hereditary breast cancer. Identifiers: Orphanet 227535, MedGen C0346153, MONDO:0016419, OMIM 114480. Disease mechanism: loss of function.
Fanconi anemia complementation group J. Also called: BRIP1-Related Fanconi Anemia. Identifiers: Orphanet 84, MedGen C1836860, MONDO:0012187, OMIM 609054.

Submission:

Labcorp Genetics (formerly Invitae), Labcorp
Classification: Uncertain significance for Familial cancer of breast; Fanconi anemia complementation group J. Last evaluated: 2018-08-18. Review status: criteria provided, single submitter. Criteria: Invitae Variant Classification Sherloc (09022015). Collection method: clinical testing. Allele origin: germline.
Comment: This variant has not been reported in the literature in individuals with BRIP1-related disease. In summary, the available evidence is currently insufficient to determine the role of this variant in disease. Therefore, it has been classified as a Variant of Uncertain Significance. Algorithms developed to predict the effect of missense changes on protein structure and function (SIFT, PolyPhen-2, Align-GVGD) all suggest that this variant is likely to be disruptive, but these predictions have not been confirmed by published functional studies and their clinical significance is uncertain. This variant is not present in population databases (ExAC no frequency). This sequence change replaces tryptophan with glycine at codon 839 of the BRIP1 protein (p.Trp839Gly). The tryptophan residue is highly conserved and there is a large physicochemical difference between tryptophan and glycine.